The following is an entry in ClinVar:

NM_001365536.1(SCN9A):c.3892C>A (p.Leu1298Ile)

Genes: SCN1A-AS1 (SCN1A and SCN9A antisense RNA 1; plus strand), SCN9A (sodium voltage-gated channel alpha subunit 9; minus strand). Cytogenetic location: 2q24.3.
Variant type: single nucleotide variant.
Coding change: c.3892C>A on transcript NM_001365536.1 (MANE Select); coding-DNA position 3892, C replaced by A.
Protein change: p.Leu1298Ile; replaces leucine 1298 with isoleucine.
Molecular consequence: missense variant.
Genome position (GRCh38, 1-based): chr2:166,233,372, G>T on the plus strand (C>A on the coding strand, the complement: SCN9A is on the minus strand). VCF-style: chr2-166233372-G-T. GRCh37 (hg19) VCF-style: chr2-167089882-G-T.
Other names: c.3859C>A, p.Leu1287Ile (NM_002977.4); short protein forms L1287I, L1298I.
Identifiers: ClinVar variation 3758911 (VCV003758911.3).

ClinVar aggregate classification (germline): Uncertain significance. Review status: criteria provided, multiple submitters, no conflicts (2 of 4 stars). 2 submissions from 2 submitters: Uncertain significance (2). Last evaluated 2026-04-16.

Conditions:
Generalized epilepsy with febrile seizures plus, type 7 (GEFSP7). Also called: GEFS+, TYPE 7. Identifiers: Orphanet 36387, MedGen C2751778, MONDO:0013470, OMIM 613863.
Neuropathy, hereditary sensory and autonomic, type 2A (HSAN2A). Also called: HSAN IIA; WNK1-Related HSAN2 (HSAN2A); ACROOSTEOLYSIS, GIACCAI TYPE; ACROOSTEOLYSIS, NEUROGENIC; MORVAN DISEASE; NEUROPATHY, CONGENITAL SENSORY. Identifiers: Orphanet 970, MedGen C2752089, MONDO:0024309, OMIM 201300.
SCN9A-related disorder. Also called: SCN9A-related disorders; SCN9A-related condition.

Submissions (2):

PreventionGenetics, part of Exact Sciences
Classification: Uncertain significance for SCN9A-related condition. Last evaluated: 2026-04-16. Review status: criteria provided, single submitter. Criteria: ACMG Guidelines, 2015. Collection method: clinical testing. Allele origin: germline.
Comment: The SCN9A c.3859C>A variant is predicted to result in the amino acid substitution p.Leu1287Ile. To our knowledge, this variant has not been reported in the literature or in a large population database (gnomAD), indicating this variant is rare. At this time, the clinical significance of this variant is uncertain due to the absence of conclusive functional and genetic evidence.

Labcorp Genetics (formerly Invitae), Labcorp
Classification: Uncertain significance for Neuropathy, hereditary sensory and autonomic, type 2A; Generalized epilepsy with febrile seizures plus, type 7. Last evaluated: 2024-11-21. Review status: criteria provided, single submitter. Criteria: Invitae Variant Classification Sherloc (09022015). Collection method: clinical testing. Allele origin: germline.
Comment: This sequence change replaces leucine, which is neutral and non-polar, with isoleucine, which is neutral and non-polar, at codon 1287 of the SCN9A protein (p.Leu1287Ile). This variant is not present in population databases (gnomAD no frequency). This variant has not been reported in the literature in individuals affected with SCN9A-related conditions. Invitae Evidence Modeling of protein sequence and biophysical properties (such as structural, functional, and spatial information, amino acid conservation, physicochemical variation, residue mobility, and thermodynamic stability) has been performed for this missense variant. However, the output from this modeling did not meet the statistical confidence thresholds required to predict the impact of this variant on SCN9A protein function. In summary, the available evidence is currently insufficient to determine the role of this variant in disease. Therefore, it has been classified as a Variant of Uncertain Significance.